The following is an entry in ClinVar:

ClinVar aggregate classification (germline): Uncertain significance (1 of 4 stars; one submission).

Submission:

Labcorp Genetics (formerly Invitae), Labcorp
Classification: Uncertain significance. Last evaluated: 2025-03-18. Review status: criteria provided, single submitter. Criteria: Invitae Variant Classification Sherloc (09022015). Collection method: clinical testing. Allele origin: germline.
Comment: This sequence change replaces cysteine, which is neutral and slightly polar, with phenylalanine, which is neutral and non-polar, at codon 291 of the IFNAR1 protein (p.Cys291Phe). This variant is not present in population databases (gnomAD no frequency). This variant has not been reported in the literature in individuals affected with IFNAR1-related conditions. ClinVar contains an entry for this variant (Variation ID: 2113629). An algorithm developed to predict the effect of missense changes on protein structure and function (PolyPhen-2) suggests that this variant is likely to be disruptive. In summary, the available evidence is currently insufficient to determine the role of this variant in disease. Therefore, it has been classified as a Variant of Uncertain Significance.

NM_000629.3(IFNAR1):c.872G>T (p.Cys291Phe)

Gene: IFNAR1 (interferon alpha and beta receptor subunit 1; plus strand). Cytogenetic location: 21q22.11.
Variant type: single nucleotide variant.
Coding change: c.872G>T on transcript NM_000629.3 (MANE Select); coding-DNA position 872, G replaced by T.
Protein change: p.Cys291Phe; replaces cysteine 291 with phenylalanine.
Molecular consequence: missense variant.
Genome position (GRCh38, 1-based): chr21:33,349,174, G>T. VCF-style: chr21-33349174-G-T. GRCh37 (hg19) VCF-style: chr21-34721480-G-T.
Other names: c.872G>T, p.Cys291Phe (NM_001384498.1, NM_001384499.1, NM_001384503.1); c.110G>T, p.Cys37Phe (NM_001384500.1); c.857G>T, p.Cys286Phe (NM_001384501.1); c.410G>T, p.Cys137Phe (NM_001384502.1); c.665G>T, p.Cys222Phe (NM_001384504.1); short protein forms C137F, C37F, C291F, C222F, C286F.
Identifiers: ClinVar variation 2113629 (VCV002113629.4), dbSNP rs2516880637, ClinGen allele CA410108382.